The following is an entry in ClinVar:

ClinVar aggregate classification (germline): Uncertain significance. Review status: criteria provided, multiple submitters, no conflicts (2 of 4 stars). 3 submissions from 3 submitters: Uncertain significance (3). Last evaluated 2026-06-16.

Conditions:
RDX-related disorder. Also called: RDX-related condition.
Autosomal recessive nonsyndromic hearing loss 24. Identifiers: Orphanet 90636, MedGen C1970239, MONDO:0012602, OMIM 611022.

Allele frequency attached by ClinVar (database versions not stated): ExAC 0.00006; gnomAD exomes 0.00008 and 0.00009; gnomAD 0.00009 and 0.00010; TOPMed 0.00009; ESP Exome Variant Server 0.00031.
gnomAD v4.1: 148 of 1,612,382 alleles (0.0092%); highest among the groups gnomAD compares: Non-Finnish European, 0.012%; no homozygotes.

Submissions (3):

PreventionGenetics, part of Exact Sciences
Classification: Uncertain significance for RDX-related condition. Last evaluated: 2026-06-16. Review status: criteria provided, single submitter. Criteria: ACMG Guidelines, 2015. Collection method: clinical testing. Allele origin: germline.
Comment: The RDX c.602A>G variant is predicted to result in the amino acid substitution p.Tyr201Cys. To our knowledge, this variant has not been reported in the literature. This variant is reported in 0.016% of alleles in individuals of European (Non-Finnish) descent in gnomAD. At this time, the clinical significance of this variant is uncertain due to the absence of conclusive functional and genetic evidence.

Athena Diagnostics
Classification: Uncertain significance. Last evaluated: 2020-08-04. Review status: criteria provided, single submitter. Criteria: Athena Diagnostics Criteria. Collection method: clinical testing. Allele origin: unknown.

Illumina Laboratory Services, Illumina
Classification: Uncertain significance for Autosomal recessive nonsyndromic hearing loss 24. Last evaluated: 2018-01-12. Review status: criteria provided, single submitter. Criteria: ICSL Variant Classification Criteria 13 December 2019. Collection method: clinical testing. Allele origin: germline.

NM_002906.4(RDX):c.602A>G (p.Tyr201Cys)

Gene: RDX (radixin; minus strand). Cytogenetic location: 11q22.3.
Variant type: single nucleotide variant.
Coding change: c.602A>G on transcript NM_002906.4 (MANE Select); coding-DNA position 602, A replaced by G.
Protein change: p.Tyr201Cys; replaces tyrosine 201 with cysteine.
Molecular consequence: missense variant. On other transcripts: intron variant (2).
Genome position (GRCh38, 1-based): chr11:110,257,863, T>C on the plus strand (A>G on the coding strand, the complement: RDX is on the minus strand). VCF-style: chr11-110257863-T-C. GRCh37 (hg19) VCF-style: chr11-110128588-T-C.
Other names: c.602A>G, p.Tyr201Cys (NM_001260492.2, NM_001260493.2); c.194A>G, p.Tyr65Cys (NM_001260494.2); c.-82-10030A>G (NM_001260495.2); c.404+294A>G (NM_001260496.2); short protein forms Y201C, Y65C.
Identifiers: ClinVar variation 302350 (VCV000302350.7), dbSNP rs146019940, ClinGen allele CA6270267.